The following is an entry in ClinVar:

ClinVar aggregate classification (germline): Likely benign (1 of 4 stars; one submission).

gnomAD v4.1: 10 of 1,613,950 alleles (0.00062%); highest among the groups gnomAD compares: South Asian, 0.0011%; no homozygotes.

Submission:

CeGaT Center for Human Genetics Tuebingen
Classification: Likely benign. Last evaluated: 2026-07-01. Review status: criteria provided, single submitter. Criteria: CeGaT Center For Human Genetics Tuebingen Variant Classification Criteria Version 2. Collection method: clinical testing. Allele origin: germline. Affected: yes. Observed: 1 variant allele.
Comment: ATG7: BP4, BP7

NM_001349232.2(ATG7):c.1914C>T (p.Pro638=)

Gene: ATG7 (autophagy related 7; plus strand). Cytogenetic location: 3p25.3.
Variant type: single nucleotide variant.
Coding change: c.1914C>T on transcript NM_001349232.2 (MANE Select); coding-DNA position 1914, C replaced by T.
Protein change: p.Pro638=; no amino-acid change (proline 638 retained).
Molecular consequence: synonymous variant. On other transcripts: intron variant (1).
Genome position (GRCh38, 1-based): chr3:11,380,010, C>T. VCF-style: chr3-11380010-C-T. GRCh37 (hg19) VCF-style: chr3-11421484-C-T.
Other names: c.1797C>T, p.Pro599= (NM_001144912.2, NM_001349236.2); c.1914C>T, p.Pro638= (NM_001349233.2, NM_001349234.2, NM_001349235.2 and 1 more transcripts); c.1755C>T, p.Pro585= (NM_001349237.2); c.981C>T, p.Pro327= (NM_001349238.2); c.1875+15276C>T (NM_001136031.3).
Identifiers: ClinVar variation 5039461 (VCV005039461.1).